The following is an entry in ClinVar:

ClinVar aggregate classification (germline): Uncertain significance (1 of 4 stars; one submission).

Submission:

Labcorp Genetics (formerly Invitae), Labcorp
Classification: Uncertain significance. Last evaluated: 2025-05-11. Review status: criteria provided, single submitter. Criteria: Invitae Variant Classification Sherloc (09022015). Collection method: clinical testing. Allele origin: germline.
Comment: This sequence change replaces arginine, which is basic and polar, with serine, which is neutral and polar, at codon 407 of the DDX3X protein (p.Arg407Ser). This variant is not present in population databases (gnomAD no frequency). This variant has not been reported in the literature in individuals affected with DDX3X-related conditions. Experimental studies and prediction algorithms are not available or were not evaluated, and the functional significance of this variant is currently unknown. In summary, the available evidence is currently insufficient to determine the role of this variant in disease. Therefore, it has been classified as a Variant of Uncertain Significance.

NM_001356.5(DDX3X):c.1221A>C (p.Arg407Ser)

Gene: DDX3X (DEAD-box helicase 3 X-linked; plus strand). Cytogenetic location: Xp11.4.
Variant type: single nucleotide variant.
Coding change: c.1221A>C on transcript NM_001356.5 (MANE Select); coding-DNA position 1221, A replaced by C.
Protein change: p.Arg407Ser; replaces arginine 407 with serine.
Molecular consequence: missense variant. On other transcripts: non-coding transcript variant (1).
Genome position (GRCh38, 1-based): chrX:41,345,454, A>C. VCF-style: chrX-41345454-A-C. GRCh37 (hg19) VCF-style: chrX-41204707-A-C.
Other names: c.1221A>C, p.Arg407Ser (NM_001193416.3); c.1173A>C, p.Arg391Ser (NM_001193417.3); c.663A>C, p.Arg221Ser (NM_001363819.1); short protein forms R221S, R407S, R391S.
Identifiers: ClinVar variation 4719331 (VCV004719331.1).
Genomic context (GRCh38, chrX:41,345,454, plus strand): 5'-TTTCTTTCAGATGCTGGCTCGTGATTTCTTAGATGAATATATCTTCTTGGCTGTAGGAAG[A>C]GTTGGCTCTACCTCTGAAAACATCACACAGAAAGTAGTTTGGGTGGAAGAATCAGACAAA-3'
Protein context (NP_001347.3, residues 397-417): LDEYIFLAVG[Arg407Ser]VGSTSENITQ